The following is an entry in ClinVar:

NM_015425.6(POLR1A):c.4796G>A (p.Arg1599His)

Gene: POLR1A (RNA polymerase I subunit A; minus strand). Cytogenetic location: 2p11.2.
Variant type: single nucleotide variant.
Coding change: c.4796G>A on transcript NM_015425.6 (MANE Select); coding-DNA position 4796, G replaced by A.
Protein change: p.Arg1599His; replaces arginine 1599 with histidine.
Molecular consequence: missense variant.
Genome position (GRCh38, 1-based): chr2:86,028,695, C>T on the plus strand (G>A on the coding strand, the complement: POLR1A is on the minus strand). VCF-style: chr2-86028695-C-T. GRCh37 (hg19) VCF-style: chr2-86255818-C-T.
Other names: short protein forms R1599H.
Identifiers: ClinVar variation 4885280 (VCV004885280.2).
Genomic context (GRCh38, chr2:86,028,695, plus strand): 5'-CGCAGCGCGGCCTCAATGCCATACGTGTTGGCTATGGCGTGGATGTCGTTGGAGTAGAGG[C>T]GGCGCAGATCCAGGACCTGGAGAGAGGAAGGAAGGGATTTATTTAGAGGGCCTGGCCTTC-3'
Protein context (NP_056240.2, residues 1589-1609): FKYAEVLDLR[Arg1599His]LYSNDIHAIA

ClinVar aggregate classification (germline): Uncertain significance (1 of 4 stars; one submission).

gnomAD v4.1: 15 of 1,613,784 alleles (0.00093%); highest among the groups gnomAD compares: East Asian, 0.0045%; no homozygotes.

Submission:

Dasa
Classification: Uncertain significance. Last evaluated: 2026-01-11. Review status: criteria provided, single submitter. Criteria: DASA Assertion Criteria. Collection method: clinical testing. Allele origin: germline.
Comment: NM_015425.6(POLR1A):c.4796G>A (p.Arg1599His) is a missense variant that results in the substitution of arginine with histidine. This variant is rare in population databases. Computational prediction algorithms are consistent with a deleterious effect. The currently available literature and clinical evidence are not sufficient to establish a definitive association between this variant and the reported condition. Therefore, this variant is classified as a variant of uncertain significance.